The following is an entry in ClinVar:

ClinVar aggregate classification (germline): Likely benign (1 of 4 stars; one submission).

Submission:

CeGaT Center for Human Genetics Tuebingen
Classification: Likely benign. Last evaluated: 2025-09-01. Review status: criteria provided, single submitter. Criteria: CeGaT Center For Human Genetics Tuebingen Variant Classification Criteria Version 2. Collection method: clinical testing. Allele origin: germline. Affected: yes. Observed: 1 variant allele.
Comment: MACF1: PM2:Supporting, BP4, BP7

NM_012090.5(MACF1):c.51G>A (p.Glu17=)

Gene: MACF1 (microtubule actin crosslinking factor 1; plus strand). Cytogenetic location: 1p34.3.
Variant type: single nucleotide variant.
Coding change: c.51G>A on transcript NM_012090.5; coding-DNA position 51, G replaced by A.
Protein change: p.Glu17=; no amino-acid change (glutamic acid 17 retained).
Molecular consequence: synonymous variant.
Genome position (GRCh38, 1-based): chr1:39,084,269, G>A. VCF-style: chr1-39084269-G-A. GRCh37 (hg19) VCF-style: chr1-39549941-G-A.
Identifiers: ClinVar variation 4281281 (VCV004281281.7).
Genomic context (GRCh38, chr1:39,084,269, plus strand): 5'-CGCCTGGGCCATGTCTTCCTCAGATGAAGAGACGCTCAGTGAGCGGTCATGTCGGAGTGA[G>A]CGGTCTTGTCGGAGTGAGCGATCTTACAGGAGCGAGCGGTCGGGGAGCCTGTCTCCCTGT-3'